The following is an entry in ClinVar:

NM_014956.5(CEP164):c.3923G>T (p.Ser1308Ile)

Gene: CEP164 (centrosomal protein 164; plus strand). Cytogenetic location: 11q23.3.
Variant type: single nucleotide variant.
Coding change: c.3923G>T on transcript NM_014956.5 (MANE Select); coding-DNA position 3923, G replaced by T.
Protein change: p.Ser1308Ile; replaces serine 1308 with isoleucine.
Molecular consequence: missense variant.
Genome position (GRCh38, 1-based): chr11:117,409,792, G>T. VCF-style: chr11-117409792-G-T. GRCh37 (hg19) VCF-style: chr11-117280508-G-T.
Other names: c.3908G>T, p.Ser1303Ile (NM_001271933.2); c.3929G>T, p.Ser1310Ile (NM_001440949.1); c.3923G>T, p.Ser1308Ile (NM_001440950.1, NM_001440951.1); c.3914G>T, p.Ser1305Ile (NM_001440952.1); c.3899G>T, p.Ser1300Ile (NM_001440953.1); c.3845G>T, p.Ser1282Ile (NM_001440954.1, NM_001440955.1); c.3836G>T, p.Ser1279Ile (NM_001440956.1); c.3833G>T, p.Ser1278Ile (NM_001440957.1); and 21 more; short protein forms S1163I, S1180I, S1189I, S1204I, S1225I, S1251I, S1252I, S1265I.
Identifiers: ClinVar variation 4994412 (VCV004994412.1).
Genomic context (GRCh38, chr11:117,409,792, plus strand): 5'-AGTCGCCGCCGCCGCTCCTCGCCTCCATGCCAGCCCAGCTCCCTCCCCGGGACCCTAAGA[G>T]CACCCCCACCCCCACCTACTATGGCTCCCTGGCCAGGTTCTCAGCCTTATCATCTGCTAC-3'
Protein context (NP_055771.4, residues 1298-1318): PAQLPPRDPK[Ser1308Ile]TPTPTYYGSL

ClinVar aggregate classification (germline): Uncertain significance (1 of 4 stars; one submission).

Conditions:
CEP164-related disorder. Also called: CEP164-related condition.

gnomAD v4.1: 9 of 1,612,938 alleles (0.00056%); highest among the groups gnomAD compares: Non-Finnish European, 0.00076%; no homozygotes.

Submission:

PreventionGenetics, part of Exact Sciences
Classification: Uncertain significance for CEP164-related condition. Last evaluated: 2026-06-16. Review status: criteria provided, single submitter. Criteria: ACMG Guidelines, 2015. Collection method: clinical testing. Allele origin: germline.
Comment: The CEP164 c.3923G>T variant is predicted to result in the amino acid substitution p.Ser1308Ile. To our knowledge, this variant has not been reported in the literature. This variant is reported in 0.0035% of alleles in individuals of European (Non-Finnish) descent in gnomAD. At this time, the clinical significance of this variant is uncertain due to the absence of conclusive functional and genetic evidence.